The following is an entry in ClinVar:

ClinVar aggregate classification (germline): Uncertain significance (1 of 4 stars; one submission).

Conditions:
Alpha thalassemia-X-linked intellectual disability syndrome (ATRX). Also called: ALPHA-THALASSEMIA/MENTAL RETARDATION SYNDROME, X-LINKED; ATR, NONDELETION TYPE; X-linked alpha-thalassemia-mental retardation syndrome; ATR-X syndrome; Alpha thalassemia mental retardation syndrome, nondeletion type, X-linked; XLMR hypotonic face syndrome. Identifiers: Orphanet 847, MedGen C1845055, MONDO:0010519, OMIM 301040.

gnomAD v4.1: 1 of 1,210,745 alleles (0.000083%); highest among the groups gnomAD compares: Non-Finnish European, 0.00011%; no homozygotes.

Submission:

Labcorp Genetics (formerly Invitae), Labcorp
Classification: Uncertain significance for Alpha thalassemia-X-linked intellectual disability syndrome. Last evaluated: 2022-09-17. Review status: criteria provided, single submitter. Criteria: Invitae Variant Classification Sherloc (09022015). Collection method: clinical testing. Allele origin: germline.
Comment: In summary, the available evidence is currently insufficient to determine the role of this variant in disease. Therefore, it has been classified as a Variant of Uncertain Significance. Advanced modeling of protein sequence and biophysical properties (such as structural, functional, and spatial information, amino acid conservation, physicochemical variation, residue mobility, and thermodynamic stability) performed at Invitae indicates that this missense variant is not expected to disrupt ATRX protein function. This variant has not been reported in the literature in individuals affected with ATRX-related conditions. This variant is not present in population databases (gnomAD no frequency). This sequence change replaces proline, which is neutral and non-polar, with arginine, which is basic and polar, at codon 622 of the ATRX protein (p.Pro622Arg).

NM_000489.6(ATRX):c.1865C>G (p.Pro622Arg)

Gene: ATRX (ATRX chromatin remodeler; minus strand). Cytogenetic location: Xq21.1.
Variant type: single nucleotide variant.
Coding change: c.1865C>G on transcript NM_000489.6 (MANE Select); coding-DNA position 1865, C replaced by G.
Protein change: p.Pro622Arg; replaces proline 622 with arginine.
Molecular consequence: missense variant.
Genome position (GRCh38, 1-based): chrX:77,683,391, G>C on the plus strand (C>G on the coding strand, the complement: ATRX is on the minus strand). VCF-style: chrX-77683391-G-C. GRCh37 (hg19) VCF-style: chrX-76938883-G-C.
Other names: c.1751C>G, p.Pro584Arg (NM_138270.5); short protein forms P584R, P622R.
Identifiers: ClinVar variation 1719665 (VCV001719665.6), dbSNP rs1557140622, ClinGen allele CA413715805.